The following is an entry in ClinVar:

NM_032122.5(DTNBP1):c.235G>A (p.Glu79Lys)

Gene: DTNBP1 (dystrobrevin binding protein 1; minus strand). Cytogenetic location: 6p22.3.
Variant type: single nucleotide variant.
Coding change: c.235G>A on transcript NM_032122.5 (MANE Select); coding-DNA position 235, G replaced by A.
Protein change: p.Glu79Lys; replaces glutamic acid 79 with lysine.
Molecular consequence: missense variant. On other transcripts: 5 prime UTR variant (1), non-coding transcript variant (1).
Genome position (GRCh38, 1-based): chr6:15,627,463, C>T on the plus strand (G>A on the coding strand, the complement: DTNBP1 is on the minus strand). VCF-style: chr6-15627463-C-T. GRCh37 (hg19) VCF-style: chr6-15627694-C-T.
Other names: c.-9G>A (NM_001271667.2); c.184G>A, p.Glu62Lys (NM_001271668.2); c.130G>A, p.Glu44Lys (NM_001271669.2); c.235G>A, p.Glu79Lys (NM_183040.2); short protein forms E44K, E62K, E79K.
Identifiers: ClinVar variation 1041558 (VCV001041558.8), dbSNP rs774245526, ClinGen allele CA3644188.

ClinVar aggregate classification (germline): Uncertain significance (1 of 4 stars; one submission).

Allele frequency attached by ClinVar (database versions not stated): gnomAD exomes 0.00001 and 0.00002; ExAC 0.00002; gnomAD 0.00003; TOPMed 0.00003.
gnomAD v4.1: 21 of 1,613,732 alleles (0.0013%); highest among the groups gnomAD compares: African/African-American, 0.0027%; no homozygotes.

Submission:

Labcorp Genetics (formerly Invitae), Labcorp
Classification: Uncertain significance. Last evaluated: 2023-10-04. Review status: criteria provided, single submitter. Criteria: Invitae Variant Classification Sherloc (09022015). Collection method: clinical testing. Allele origin: germline.
Comment: This sequence change replaces glutamic acid, which is acidic and polar, with lysine, which is basic and polar, at codon 79 of the DTNBP1 protein (p.Glu79Lys). This variant is present in population databases (rs774245526, gnomAD 0.004%). This variant has not been reported in the literature in individuals affected with DTNBP1-related conditions. ClinVar contains an entry for this variant (Variation ID: 1041558). Advanced modeling of protein sequence and biophysical properties (such as structural, functional, and spatial information, amino acid conservation, physicochemical variation, residue mobility, and thermodynamic stability) performed at Invitae indicates that this missense variant is not expected to disrupt DTNBP1 protein function. In summary, the available evidence is currently insufficient to determine the role of this variant in disease. Therefore, it has been classified as a Variant of Uncertain Significance.